The following is an entry in ClinVar:

NM_001018005.2(TPM1):c.332A>G (p.Gln111Arg)

Gene: TPM1 (tropomyosin 1; plus strand). Cytogenetic location: 15q22.2.
Variant type: single nucleotide variant.
Coding change: c.332A>G on transcript NM_001018005.2 (MANE Select); coding-DNA position 332, A replaced by G.
Protein change: p.Gln111Arg; replaces glutamine 111 with arginine.
Molecular consequence: missense variant.
Genome position (GRCh38, 1-based): chr15:63,057,076, A>G. VCF-style: chr15-63057076-A-G. GRCh37 (hg19) VCF-style: chr15-63349275-A-G.
Other names: c.332A>G (NM_001018005.1); c.332A>G, p.Gln111Arg (NM_000366.6, NM_001018004.2, NM_001018006.2 and 6 more transcripts); c.224A>G, p.Gln75Arg (NM_001018008.2, NM_001301289.2, NM_001330344.2 and 5 more transcripts); c.458A>G, p.Gln153Arg (NM_001365778.1); short protein forms Q111R, Q153R, Q75R.
Identifiers: ClinVar variation 1023826 (VCV001023826.8), dbSNP rs2034924462, ClinGen allele CA392721105.

ClinVar aggregate classification (germline): Uncertain significance. Review status: criteria provided, multiple submitters, no conflicts (2 of 4 stars). 2 submissions from 2 submitters: Uncertain significance (2). Last evaluated 2024-08-19.

Conditions:
Hypertrophic cardiomyopathy. Also called: HYPERTROPHIC MYOCARDIOPATHY. Identifiers: Orphanet 217569, MedGen C0007194, MeSH D002312, MONDO:0005045, HP:0001639.

Submissions (2):

GeneDx
Classification: Uncertain significance. Last evaluated: 2024-08-19. Review status: criteria provided, single submitter. Criteria: GeneDx Variant Classification Process June 2021. Collection method: clinical testing. Allele origin: germline. Affected: yes.
Comment: Not observed at significant frequency in large population cohorts (gnomAD); In silico analysis supports that this missense variant has a deleterious effect on protein structure/function; Has not been previously published as pathogenic or benign to our knowledge

Labcorp Genetics (formerly Invitae), Labcorp
Classification: Uncertain significance for Hypertrophic cardiomyopathy. Last evaluated: 2022-08-12. Review status: criteria provided, single submitter. Criteria: Invitae Variant Classification Sherloc (09022015). Collection method: clinical testing. Allele origin: germline.
Comment: Algorithms developed to predict the effect of missense changes on protein structure and function are either unavailable or do not agree on the potential impact of this missense change (SIFT: "Tolerated"; PolyPhen-2: "Probably Damaging"; Align-GVGD: "Class C0"). In summary, the available evidence is currently insufficient to determine the role of this variant in disease. Therefore, it has been classified as a Variant of Uncertain Significance. ClinVar contains an entry for this variant (Variation ID: 1023826). This variant has not been reported in the literature in individuals affected with TPM1-related conditions. This variant is not present in population databases (gnomAD no frequency). This sequence change replaces glutamine, which is neutral and polar, with arginine, which is basic and polar, at codon 111 of the TPM1 protein (p.Gln111Arg).